The following is an entry in ClinVar:

ClinVar aggregate classification (germline): Likely benign (1 of 4 stars; one submission).

Conditions:
AHCY-related disorder. Also called: AHCY-related condition.

gnomAD v4.1: 18 of 1,614,044 alleles (0.0011%); highest among the groups gnomAD compares: South Asian, 0.019%; no homozygotes.

Submission:

PreventionGenetics, part of Exact Sciences
Classification: Likely benign for AHCY-related condition. Last evaluated: 2025-02-26. Review status: criteria provided, single submitter. Criteria: ACMG Guidelines, 2015. Collection method: clinical testing. Allele origin: germline.
Comment: This variant is classified as likely benign based on ACMG/AMP sequence variant interpretation guidelines (Richards et al. 2015 PMID: 25741868, with internal and published modifications).

NM_000687.4(AHCY):c.1254C>T (p.Gly418=)

Gene: AHCY (adenosylhomocysteinase; minus strand). Cytogenetic location: 20q11.22.
Variant type: single nucleotide variant.
Coding change: c.1254C>T on transcript NM_000687.4 (MANE Select); coding-DNA position 1254, C replaced by T.
Protein change: p.Gly418=; no amino-acid change (glycine 418 retained).
Molecular consequence: synonymous variant.
Genome position (GRCh38, 1-based): chr20:34,281,079, G>A on the plus strand (C>T on the coding strand, the complement: AHCY is on the minus strand). VCF-style: chr20-34281079-G-A. GRCh37 (hg19) VCF-style: chr20-32868885-G-A.
Other names: c.1170C>T, p.Gly390= (NM_001161766.2, NM_001322084.2, NM_001322085.2); c.1260C>T, p.Gly420= (NM_001322086.2); c.1254C>T, p.Gly418= (NM_001362750.2).
Identifiers: ClinVar variation 4987096 (VCV004987096.1).